The following is an entry in ClinVar:

ClinVar aggregate classification (germline): Uncertain significance (1 of 4 stars; one submission).

Conditions:
Hereditary cancer-predisposing syndrome. Also called: Neoplastic Syndromes, Hereditary; Tumor predisposition; Hereditary Cancer Syndrome; Hereditary neoplastic syndrome. Identifiers: Orphanet 140162, MedGen C0027672, MeSH D009386, MONDO:0015356.

Submission:

Color Diagnostics, LLC DBA Color Health
Classification: Uncertain significance for Hereditary cancer-predisposing syndrome. Last evaluated: 2024-06-17. Review status: criteria provided, single submitter. Criteria: ACMG Guidelines, 2015. Collection method: clinical testing. Allele origin: germline.
Comment: This missense variant replaces leucine with arginine at codon 86 of the BAP1 protein. Computational prediction suggests that this variant may have deleterious impact on protein structure and function. To our knowledge, functional studies have not been reported for this variant. This variant has not been reported in individuals affected with BAP1-related disorders in the literature. This variant has not been identified in the general population by the Genome Aggregation Database (gnomAD). The available evidence is insufficient to determine the role of this variant in disease conclusively. Therefore, this variant is classified as a Variant of Uncertain Significance.

NM_004656.4(BAP1):c.257T>G (p.Leu86Arg)

Gene: BAP1 (BRCA1 associated deubiquitinase 1; minus strand). Cytogenetic location: 3p21.1.
Variant type: single nucleotide variant.
Coding change: c.257T>G on transcript NM_004656.4 (MANE Select); coding-DNA position 257, T replaced by G.
Protein change: p.Leu86Arg; replaces leucine 86 with arginine.
Molecular consequence: missense variant.
Genome position (GRCh38, 1-based): chr3:52,408,076, A>C on the plus strand (T>G on the coding strand, the complement: BAP1 is on the minus strand). VCF-style: chr3-52408076-A-C. GRCh37 (hg19) VCF-style: chr3-52442092-A-C.
Other names: c.257T>G, p.Leu86Arg (NM_001410772.1); short protein forms L86R.
Identifiers: ClinVar variation 3893954 (VCV003893954.1).